The following is an entry in ClinVar:

NM_004655.4(AXIN2):c.1026G>A (p.Lys342=)

Gene: AXIN2 (axin 2; minus strand). Cytogenetic location: 17q24.1.
Variant type: single nucleotide variant.
Coding change: c.1026G>A on transcript NM_004655.4 (MANE Select); coding-DNA position 1026, G replaced by A.
Protein change: p.Lys342=; no amino-acid change (lysine 342 retained).
Molecular consequence: synonymous variant.
Genome position (GRCh38, 1-based): chr17:65,541,488, C>T on the plus strand (G>A on the coding strand, the complement: AXIN2 is on the minus strand). VCF-style: chr17-65541488-C-T. GRCh37 (hg19) VCF-style: chr17-63537606-C-T.
Other names: c.1026G>A, p.Lys342= (NM_001363813.1); c.1026G>A (LRG_296t1).
Identifiers: ClinVar variation 415226 (VCV000415226.13), dbSNP rs1060504489, ClinGen allele CA16615601.
Genomic context (GRCh38, chr17:65,541,488, plus strand): 5'-TGTCTCCTCACTCCAGACTGTACTCACCGGGAAATGAGGTAGAGACACTTGGCCATTGGC[C>T]TTCACACTGCGATGCATTTCTCTCTGGAGCTGTTTCTTACTGCCCACACGATAAGGAGGA-3'
Protein context (NP_004646.3, residues 332-352): QLQREMHRSV[Lys342=]ANGQVSLPHF

ClinVar aggregate classification (germline): Benign/Likely benign. Review status: criteria provided, multiple submitters, no conflicts (2 of 4 stars). 3 submissions from 3 submitters: Benign (1); Likely benign (2). Last evaluated 2025-11-11.

Conditions:
Hereditary cancer-predisposing syndrome. Also called: Tumor predisposition; Neoplastic Syndromes, Hereditary; Hereditary neoplastic syndrome; Hereditary Cancer Syndrome. Identifiers: Orphanet 140162, MedGen C0027672, MeSH D009386, MONDO:0015356.
Oligodontia-cancer predisposition syndrome. Also called: TOOTH AGENESIS-COLORECTAL CANCER SYNDROME. Identifiers: Orphanet 300576, MedGen C1837750, MONDO:0012075, OMIM 608615. Disease mechanism: loss of function.

Submissions (3):

Labcorp Genetics (formerly Invitae), Labcorp
Classification: Likely benign for Oligodontia-cancer predisposition syndrome. Last evaluated: 2025-11-11. Review status: criteria provided, single submitter. Criteria: Invitae Variant Classification Sherloc (09022015). Collection method: clinical testing. Allele origin: germline.

Myriad Genetics, Inc.
Classification: Benign for Oligodontia-cancer predisposition syndrome. Last evaluated: 2024-06-28. Review status: criteria provided, single submitter. Criteria: Myriad Autosomal Dominant, Autosomal Recessive and X-Linked Classification Criteria (2023). Collection method: clinical testing. Allele origin: unknown.
Comment: This variant is considered benign. This variant is a silent/synonymous amino acid change and it is not expected to impact splicing.

Ambry Genetics
Classification: Likely benign for Hereditary cancer-predisposing syndrome. Last evaluated: 2023-09-24. Review status: criteria provided, single submitter. Criteria: Ambry Variant Classification Scheme 2023. Collection method: clinical testing. Allele origin: germline.